The following is an entry in ClinVar:

NM_000038.6(APC):c.5039A>C (p.Gln1680Pro)

Gene: APC (APC regulator of Wnt signaling pathway; plus strand). Cytogenetic location: 5q22.2.
Variant type: single nucleotide variant.
Coding change: c.5039A>C on transcript NM_000038.6 (MANE Select); coding-DNA position 5039, A replaced by C.
Protein change: p.Gln1680Pro; replaces glutamine 1680 with proline.
Molecular consequence: missense variant.
Genome position (GRCh38, 1-based): chr5:112,840,633, A>C. VCF-style: chr5-112840633-A-C. GRCh37 (hg19) VCF-style: chr5-112176330-A-C.
Other names: c.4790A>C, p.Gln1597Pro (NM_001407457.1, NM_001407454.1, NM_001407455.1 and 1 more transcripts); c.4736A>C, p.Gln1579Pro (NM_001407458.1, NM_001407459.1, NM_001407460.1 and 1 more transcripts); c.3887A>C, p.Gln1296Pro (NM_001407471.1, NM_001407472.1); c.4652A>C, p.Gln1551Pro (NM_001407469.1, NM_001407467.1); c.4190A>C, p.Gln1397Pro (NM_001407470.1, NM_001354906.2); c.5039A>C, p.Gln1680Pro (NM_001127510.3, NM_001354895.2, NM_001407450.1); c.4985A>C, p.Gln1662Pro (NM_001127511.3); c.5093A>C, p.Gln1698Pro (NM_001354896.2, NM_001407447.1, NM_001407448.1 and 1 more transcripts); and 11 more; short protein forms Q1589P, Q1639P, Q1655P, Q1397P, Q1579P, Q1597P, Q1621P, Q1662P.
Identifiers: ClinVar variation 1744928 (VCV001744928.5), dbSNP rs2149930466, ClinGen allele CA16032350.

ClinVar aggregate classification (germline): Uncertain significance. Review status: criteria provided, multiple submitters, no conflicts (2 of 4 stars). 2 submissions from 2 submitters: Uncertain significance (2). Last evaluated 2022-10-29.

Conditions:
Hereditary cancer-predisposing syndrome. Also called: Hereditary Cancer Syndrome; Neoplastic Syndromes, Hereditary; Tumor predisposition; Hereditary neoplastic syndrome. Identifiers: Orphanet 140162, MedGen C0027672, MeSH D009386, MONDO:0015356.
Familial adenomatous polyposis 1 (FAP1). Also called: FAMILIAL ADENOMATOUS POLYPOSIS 1, ATTENUATED; POLYPOSIS, ADENOMATOUS INTESTINAL. Identifiers: MedGen C2713442, MONDO:0021056, OMIM 175100. Disease mechanism: loss of function.

Allele frequency attached by ClinVar (database versions not stated): gnomAD exomes below 0.00001.
gnomAD v4.1: 2 of 1,614,008 alleles (0.00012%); highest among the groups gnomAD compares: Non-Finnish European, 0.00017%; no homozygotes.

Submissions (2):

Labcorp Genetics (formerly Invitae), Labcorp
Classification: Uncertain significance for Familial adenomatous polyposis 1. Last evaluated: 2022-10-29. Review status: criteria provided, single submitter. Criteria: Invitae Variant Classification Sherloc (09022015). Collection method: clinical testing. Allele origin: germline.
Comment: In summary, the available evidence is currently insufficient to determine the role of this variant in disease. Therefore, it has been classified as a Variant of Uncertain Significance. Advanced modeling of protein sequence and biophysical properties (such as structural, functional, and spatial information, amino acid conservation, physicochemical variation, residue mobility, and thermodynamic stability) performed at Invitae indicates that this missense variant is not expected to disrupt APC protein function. This variant has not been reported in the literature in individuals affected with APC-related conditions. This variant is not present in population databases (gnomAD no frequency). This sequence change replaces glutamine, which is neutral and polar, with proline, which is neutral and non-polar, at codon 1680 of the APC protein (p.Gln1680Pro).

Ambry Genetics
Classification: Uncertain significance for Hereditary cancer-predisposing syndrome. Last evaluated: 2022-06-03. Review status: criteria provided, single submitter. Criteria: Ambry Variant Classification Scheme 2023. Collection method: clinical testing. Allele origin: germline.
Comment: The p.Q1680P variant (also known as c.5039A>C), located in coding exon 15 of the APC gene, results from an A to C substitution at nucleotide position 5039. The glutamine at codon 1680 is replaced by proline, an amino acid with similar properties. This amino acid position is not well conserved in available vertebrate species. In addition, in silico predictors for this gene do not accurately predict pathogenicity. Since supporting evidence is limited at this time, the clinical significance of this alteration remains unclear.